The following is an entry in ClinVar:

ClinVar aggregate classification (germline): Uncertain significance (1 of 4 stars; one submission).

Conditions:
Holocarboxylase synthetase deficiency. Also called: MULTIPLE CARBOXYLASE DEFICIENCY, EARLY ONSET. Identifiers: Orphanet 79242, MedGen C0268581, MONDO:0009666, OMIM 253270.

Submission:

Labcorp Genetics (formerly Invitae), Labcorp
Classification: Uncertain significance for Holocarboxylase synthetase deficiency. Last evaluated: 2018-11-07. Review status: criteria provided, single submitter. Criteria: Invitae Variant Classification Sherloc (09022015). Collection method: clinical testing. Allele origin: germline.
Comment: Algorithms developed to predict the effect of missense changes on protein structure and function are either unavailable or do not agree on the potential impact of this missense change (SIFT: "Deleterious"; PolyPhen-2: "Probably Damaging"; Align-GVGD: "Class C0"). In summary, the available evidence is currently insufficient to determine the role of this variant in disease. Therefore, it has been classified as a Variant of Uncertain Significance. This variant has not been reported in the literature in individuals with HLCS-related disease. This variant is not present in population databases (ExAC no frequency). This sequence change replaces proline with arginine at codon 609 of the HLCS protein (p.Pro609Arg). The proline residue is highly conserved and there is a moderate physicochemical difference between proline and arginine.

NM_001352514.2(HLCS):c.2267C>G (p.Pro756Arg)

Gene: HLCS (holocarboxylase synthetase; minus strand). Cytogenetic location: 21q22.13.
Variant type: single nucleotide variant.
Coding change: c.2267C>G on transcript NM_001352514.2 (MANE Select); coding-DNA position 2267, C replaced by G.
Protein change: p.Pro756Arg; replaces proline 756 with arginine.
Molecular consequence: missense variant. On other transcripts: non-coding transcript variant (2).
Genome position (GRCh38, 1-based): chr21:36,756,725, G>C on the plus strand (C>G on the coding strand, the complement: HLCS is on the minus strand). VCF-style: chr21-36756725-G-C. GRCh37 (hg19) VCF-style: chr21-38129026-G-C.
Other names: c.1826C>G, p.Pro609Arg (NM_000411.8, NM_001242784.3, NM_001242785.2 and 4 more transcripts); short protein forms P756R, P609R.
Identifiers: ClinVar variation 665908 (VCV000665908.8), dbSNP rs1601100788, ClinGen allele CA409919435.
Genomic context (GRCh38, chr21:36,756,725, plus strand): 5'-TTCAGTTCTGCCTTGTGTTGTTTATTGTATTCTGTGATGAGGTCGTTGATGCAGATGGTA[G>C]GGTTACTGTTAGTCACATTAAATCCACAGCCTGGACAAAAACAAACAATTGAGCAGCTCA-3'
Protein context (NP_001339443.1, residues 746-766): GCGFNVTNSN[Pro756Arg]TICINDLITE